The following is an entry in ClinVar:

ClinVar aggregate classification (germline): Uncertain significance (1 of 4 stars; one submission).

Conditions:
Inclusion body myopathy with Paget disease of bone and frontotemporal dementia. Also called: Inclusion body myopathy with early-onset Paget disease and frontotemporal dementia. Identifiers: Orphanet 52430, MedGen C1833662, MONDO:0000507.
Frontotemporal dementia and/or amyotrophic lateral sclerosis 6 (FTDALS6). Also called: VCP-Related Amyotrophic Lateral Sclerosis; VCP-Related Amyotrophic Lateral Sclerosis/Frontotemporal Dementia. Identifiers: Orphanet 275872, Orphanet 803, MedGen C5436279, MONDO:0013501, OMIM 613954.

Allele frequency attached by ClinVar (database versions not stated): gnomAD exomes below 0.00001; ExAC 0.00001.
gnomAD v4.1: 2 of 1,614,196 alleles (0.00012%); highest among the groups gnomAD compares: Non-Finnish European, 0.00017%; no homozygotes.

Submission:

Labcorp Genetics (formerly Invitae), Labcorp
Classification: Uncertain significance for Inclusion body myopathy with Paget disease of bone and frontotemporal dementia; Frontotemporal dementia and/or amyotrophic lateral sclerosis 6. Last evaluated: 2022-11-04. Review status: criteria provided, single submitter. Criteria: Invitae Variant Classification Sherloc (09022015). Collection method: clinical testing. Allele origin: germline.
Comment: In summary, the available evidence is currently insufficient to determine the role of this variant in disease. Therefore, it has been classified as a Variant of Uncertain Significance. Advanced modeling of protein sequence and biophysical properties (such as structural, functional, and spatial information, amino acid conservation, physicochemical variation, residue mobility, and thermodynamic stability) performed at Invitae indicates that this missense variant is not expected to disrupt VCP protein function. This variant has not been reported in the literature in individuals affected with VCP-related conditions. This variant is present in population databases (rs753221407, gnomAD 0.0009%). This sequence change replaces isoleucine, which is neutral and non-polar, with valine, which is neutral and non-polar, at codon 100 of the VCP protein (p.Ile100Val).

NM_007126.5(VCP):c.298A>G (p.Ile100Val)

Gene: VCP (valosin containing protein; minus strand). Cytogenetic location: 9p13.3.
Variant type: single nucleotide variant.
Coding change: c.298A>G on transcript NM_007126.5 (MANE Select); coding-DNA position 298, A replaced by G.
Protein change: p.Ile100Val; replaces isoleucine 100 with valine.
Molecular consequence: missense variant.
Genome position (GRCh38, 1-based): chr9:35,067,895, T>C on the plus strand (A>G on the coding strand, the complement: VCP is on the minus strand). VCF-style: chr9-35067895-T-C. GRCh37 (hg19) VCF-style: chr9-35067892-T-C.
Other names: c.163A>G, p.Ile55Val (NM_001354927.2, NM_001354928.2); short protein forms I100V, I55V.
Identifiers: ClinVar variation 1718112 (VCV001718112.6), dbSNP rs753221407, ClinGen allele CA5039522.
Genomic context (GRCh38, chr9:35,067,895, plus strand): 5'-TAATGCAGGCTATCTCTGGCCTCCCATCCCTGTGAAGCCAAAAACCCCACACACACCTGA[T>C]GACATCCCCTAGGCGTACACGAAGGTTATTCCGAACAACTCTATTCATCCGAATCTTCTC-3'
Protein context (NP_009057.1, residues 90-110): NNLRVRLGDV[Ile100Val]SIQPCPDVKY